The following is an entry in ClinVar:

NM_198578.4(LRRK2):c.4397T>G (p.Met1466Arg)

Gene: LRRK2 (leucine rich repeat kinase 2; plus strand). Cytogenetic location: 12q12.
Variant type: single nucleotide variant.
Coding change: c.4397T>G on transcript NM_198578.4 (MANE Select); coding-DNA position 4397, T replaced by G.
Protein change: p.Met1466Arg; replaces methionine 1466 with arginine.
Molecular consequence: missense variant.
Genome position (GRCh38, 1-based): chr12:40,310,510, T>G. VCF-style: chr12-40310510-T-G. GRCh37 (hg19) VCF-style: chr12-40704312-T-G.
Other names: short protein forms M1466R.
Identifiers: ClinVar variation 4709260 (VCV004709260.1).

ClinVar aggregate classification (germline): Uncertain significance (1 of 4 stars; one submission).

Conditions:
Autosomal dominant Parkinson disease 8. Also called: Parkinson disease 8, susceptibility to; LRRK2-Related Parkinson Disease; Parkinson disease 8. Identifiers: Orphanet 411602, MedGen C1846862, MONDO:0011764, OMIM 607060.

Submission:

Labcorp Genetics (formerly Invitae), Labcorp
Classification: Uncertain significance for Autosomal dominant Parkinson disease 8. Last evaluated: 2025-05-22. Review status: criteria provided, single submitter. Criteria: Invitae Variant Classification Sherloc (09022015). Collection method: clinical testing. Allele origin: germline.
Comment: This sequence change replaces methionine, which is neutral and non-polar, with arginine, which is basic and polar, at codon 1466 of the LRRK2 protein (p.Met1466Arg). This variant is not present in population databases (gnomAD no frequency). This variant has not been reported in the literature in individuals affected with LRRK2-related conditions. Invitae Evidence Modeling of protein sequence and biophysical properties (such as structural, functional, and spatial information, amino acid conservation, physicochemical variation, residue mobility, and thermodynamic stability) has been performed for this missense variant. However, the output from this modeling did not meet the statistical confidence thresholds required to predict the impact of this variant on LRRK2 protein function. In summary, the available evidence is currently insufficient to determine the role of this variant in disease. Therefore, it has been classified as a Variant of Uncertain Significance.